The following is an entry in ClinVar:

NM_000350.3(ABCA4):c.4634+1G>A

Gene: ABCA4 (ATP binding cassette subfamily A member 4; minus strand). Cytogenetic location: 1p22.1.
Variant type: single nucleotide variant.
Coding change: c.4634+1G>A on transcript NM_000350.3 (MANE Select); the canonical splice donor site of the intron after coding-DNA position 4634, G replaced by A.
Molecular consequence: splice donor variant.
Genome position (GRCh38, 1-based): chr1:94,024,953, C>T on the plus strand (G>A on the coding strand, the complement: ABCA4 is on the minus strand). VCF-style: chr1-94024953-C-T. GRCh37 (hg19) VCF-style: chr1-94490509-C-T.
Other names: c.4412+1G>A (NM_001425324.1).
Identifiers: ClinVar variation 3683445 (VCV003683445.3).

ClinVar aggregate classification (germline): Pathogenic/Likely pathogenic. Review status: criteria provided, multiple submitters, no conflicts (2 of 4 stars). 2 submissions from 2 submitters: Pathogenic (1); Likely pathogenic (1). Last evaluated 2024-07-08.

Conditions:
ABCA4-related disorder. Also called: ABCA4-related condition; ABCA4-related disorders. Identifiers: MedGen CN239167.

gnomAD v4.1: 6 of 1,611,478 alleles (0.00037%); no homozygotes.

Submissions (2):

Labcorp Genetics (formerly Invitae), Labcorp
Classification: Pathogenic. Last evaluated: 2024-07-08. Review status: criteria provided, single submitter. Criteria: Invitae Variant Classification Sherloc (09022015). Collection method: clinical testing. Allele origin: germline.
Comment: This sequence change affects a donor splice site in intron 31 of the ABCA4 gene. It is expected to disrupt RNA splicing. Variants that disrupt the donor or acceptor splice site typically lead to a loss of protein function (PMID: 16199547), and loss-of-function variants in ABCA4 are known to be pathogenic (PMID: 10958761, 24938718, 25312043, 26780318). This variant is present in population databases (rs767312869, gnomAD 0.01%). Disruption of this splice site has been observed in individuals with clinical features of Stargardt disease (Invitae). Algorithms developed to predict the effect of sequence changes on RNA splicing suggest that this variant may disrupt the consensus splice site. For these reasons, this variant has been classified as Pathogenic.

Blueprint Genetics
Classification: Likely pathogenic for ABCA4-related disorders. Last evaluated: 2021-11-29. Review status: criteria provided, single submitter. Criteria: ACMG Guidelines, 2015. Collection method: clinical testing. Allele origin: germline. Affected: yes. Observed: 1 variant allele.

Literature cited by the submitters: PubMed 16199547 (cited by Labcorp Genetics (formerly Invitae), Labcorp); PubMed 10958761 (cited by Labcorp Genetics (formerly Invitae), Labcorp); PubMed 24938718 (cited by Labcorp Genetics (formerly Invitae), Labcorp); PubMed 25312043 (cited by Labcorp Genetics (formerly Invitae), Labcorp); PubMed 26780318 (cited by Labcorp Genetics (formerly Invitae), Labcorp).